The following is an entry in ClinVar:

ClinVar aggregate classification (germline): Uncertain significance (1 of 4 stars; one submission).

Submission:

GeneDx
Classification: Uncertain significance. Last evaluated: 2019-10-10. Review status: criteria provided, single submitter. Criteria: GeneDx Variant Classification Process June 2021. Collection method: clinical testing. Allele origin: germline. Affected: yes.
Comment: Not observed in large population cohorts (Lek et al., 2016); In silico analysis, which includes protein predictors and evolutionary conservation, supports that this variant does not alter protein structure/function; Has not been previously published as pathogenic or benign to our knowledge

NM_001110556.2(FLNA):c.3547G>T (p.Val1183Leu)

Gene: FLNA (filamin A; minus strand). Cytogenetic location: Xq28.
Variant type: single nucleotide variant.
Coding change: c.3547G>T on transcript NM_001110556.2 (MANE Select); coding-DNA position 3547, G replaced by T.
Protein change: p.Val1183Leu; replaces valine 1183 with leucine.
Molecular consequence: missense variant.
Genome position (GRCh38, 1-based): chrX:154,360,248, C>A on the plus strand (G>T on the coding strand, the complement: FLNA is on the minus strand). VCF-style: chrX-154360248-C-A. GRCh37 (hg19) VCF-style: chrX-153588616-C-A.
Other names: c.3547G>T, p.Val1183Leu (NM_001456.4); short protein forms V1183L.
Identifiers: ClinVar variation 1210689 (VCV001210689.3), dbSNP rs2148112144, ClinGen allele CA415224509.